The following is an entry in ClinVar:

ClinVar aggregate classification (germline): Uncertain significance (1 of 4 stars; one submission).

Allele frequency attached by ClinVar (database versions not stated): gnomAD exomes below 0.00001.
gnomAD v4.1: 1 of 1,569,768 alleles (0.000064%); highest among the groups gnomAD compares: South Asian, 0.0012%; no homozygotes.

Submission:

Labcorp Genetics (formerly Invitae), Labcorp
Classification: Uncertain significance. Last evaluated: 2024-01-11. Review status: criteria provided, single submitter. Criteria: Invitae Variant Classification Sherloc (09022015). Collection method: clinical testing. Allele origin: germline.
Comment: This sequence change replaces isoleucine, which is neutral and non-polar, with valine, which is neutral and non-polar, at codon 41 of the WNT5A protein (p.Ile41Val). This variant is not present in population databases (gnomAD no frequency). This variant has not been reported in the literature in individuals affected with WNT5A-related conditions. Algorithms developed to predict the effect of missense changes on protein structure and function output the following: SIFT: "Not Available"; PolyPhen-2: "Benign"; Align-GVGD: "Not Available". The valine amino acid residue is found in multiple mammalian species, which suggests that this missense change does not adversely affect protein function. In summary, the available evidence is currently insufficient to determine the role of this variant in disease. Therefore, it has been classified as a Variant of Uncertain Significance.

NM_003392.7(WNT5A):c.121A>G (p.Ile41Val)

Gene: WNT5A (Wnt family member 5A; minus strand). Cytogenetic location: 3p14.3.
Variant type: single nucleotide variant.
Coding change: c.121A>G on transcript NM_003392.7 (MANE Select); coding-DNA position 121, A replaced by G.
Protein change: p.Ile41Val; replaces isoleucine 41 with valine.
Molecular consequence: missense variant.
Genome position (GRCh38, 1-based): chr3:55,480,804, T>C on the plus strand (A>G on the coding strand, the complement: WNT5A is on the minus strand). VCF-style: chr3-55480804-T-C. GRCh37 (hg19) VCF-style: chr3-55514832-T-C.
Other names: c.76A>G, p.Ile26Val (NM_001256105.1, NM_001377271.1, NM_001377272.1); short protein forms I26V, I41V.
Identifiers: ClinVar variation 2708828 (VCV002708828.3), dbSNP rs2471326353, ClinGen allele CA353267821.